The following is an entry in ClinVar:

ClinVar aggregate classification (germline): Benign/Likely benign. Review status: criteria provided, multiple submitters, no conflicts (2 of 4 stars). 3 submissions from 2 submitters: Benign (2); Likely benign (1). Last evaluated 2023-06-12.

Conditions:
Hypobetalipoproteinemia. Identifiers: Orphanet 31154, MedGen C0020597, MONDO:0017774.
Familial hypercholesterolemia. Also called: Familial hypercholesterolaemia; Familial hypercholesterolemias. Identifiers: MedGen C0020445, MONDO:0005439.
Hypercholesterolemia, autosomal dominant, 3 (FHCL3). Also called: PCSK9-Related Familial Hypercholesterolemia, Autosomal Dominant; Familial hypercholesterolemia 3; Familial Hypercholesterolemia, Autosomal Dominant, 3. Identifiers: MedGen C1863551, MONDO:0011369, OMIM 603776.

Allele frequency attached by ClinVar (database versions not stated): gnomAD exomes 0.00087 and 0.00215; 1000 Genomes Project 30x 0.00500; ESP Exome Variant Server 0.00550; gnomAD 0.00672 and 0.00715; 1000 Genomes Project 0.00539; TOPMed 0.00726; ExAC 0.00466.
gnomAD v4.1: 2,354 of 1,569,572 alleles (0.15%); highest among the groups gnomAD compares: African/African-American, 2.1%; 22 homozygotes.

Submissions (3):

GENinCode PLC
Classification: Benign for Familial hypercholesterolemia. Last evaluated: 2023-06-12. Review status: criteria provided, single submitter. Criteria: ACMG Guidelines, 2015. Collection method: clinical testing. Allele origin: germline.
Comment: The PCSK9 c.-26G>A variant has a GrpMax filtering allele frequency in gnomAD v4.1.1 of 0.02053 in the African/African American genetic ancestry group. This is higher than our in-house threshold (0.005 for BA1) and therefore meets this criterion and is classified as Benign.

Illumina Laboratory Services, Illumina
Classification: Benign for Hypobetalipoproteinemia. Last evaluated: 2018-01-13. Review status: criteria provided, single submitter. Criteria: ICSL Variant Classification Criteria 13 December 2019. Collection method: clinical testing. Allele origin: germline.
Comment: This variant was observed in the ICSL laboratory as part of a predisposition screen in an ostensibly healthy population. It had not been previously curated by ICSL or reported in the Human Gene Mutation Database (HGMD: prior to June 1st, 2018), and was therefore a candidate for classification through an automated scoring system. Utilizing variant allele frequency, disease prevalence and penetrance estimates, and inheritance mode, an automated score was calculated to assess if this variant is too frequent to cause the disease. Based on the score and internal cut-off values, a variant classified as benign is not then subjected to further curation. The score for this variant resulted in a classification of benign for this disease.

Illumina Laboratory Services, Illumina
Classification: Likely benign for Hypercholesterolemia, autosomal dominant, 3. Last evaluated: 2018-01-13. Review status: criteria provided, single submitter. Criteria: ICSL Variant Classification Criteria 13 December 2019. Collection method: clinical testing. Allele origin: germline.
Comment: This variant was observed in the ICSL laboratory as part of a predisposition screen in an ostensibly healthy population. It had not been previously curated by ICSL or reported in the Human Gene Mutation Database (HGMD: prior to June 1st, 2018), and was therefore a candidate for classification through an automated scoring system. Utilizing variant allele frequency, disease prevalence and penetrance estimates, and inheritance mode, an automated score was calculated to assess if this variant is too frequent to cause the disease. Based on the score and internal cut-off values, a variant classified as likely benign is not then subjected to further curation. The score for this variant resulted in a classification of likely benign for this disease.

NM_174936.4(PCSK9):c.-26G>A

Gene: PCSK9 (proprotein convertase subtilisin/kexin type 9; plus strand). Cytogenetic location: 1p32.3.
Variant type: single nucleotide variant.
Coding change: c.-26G>A on transcript NM_174936.4 (MANE Select); 26 bases upstream of the start codon, G replaced by A.
Molecular consequence: 5 prime UTR variant.
Genome position (GRCh38, 1-based): chr1:55,039,812, G>A. VCF-style: chr1-55039812-G-A. GRCh37 (hg19) VCF-style: chr1-55505485-G-A.
Identifiers: ClinVar variation 297691 (VCV000297691.6), dbSNP rs28362202, ClinGen allele CA041091.